The following is an entry in ClinVar:

ClinVar aggregate classification (germline): Uncertain significance. Review status: criteria provided, multiple submitters, no conflicts (2 of 4 stars). 2 submissions from 2 submitters: Uncertain significance (2). Last evaluated 2025-08-19.

Conditions:
Symmetrical dyschromatosis of extremities (DSH). Also called: Dyschromatosis symmetrica hereditaria; DYSCHROMATOSIS SYMMETRICA HEREDITARIA 1; RETICULATE ACROPIGMENTATION OF DOHI; SYMMETRIC DYSCHROMATOSIS OF THE EXTREMITIES. Identifiers: Orphanet 41, MedGen C0406775, MONDO:0007483, OMIM 127400.
Aicardi-Goutieres syndrome 6 (AGS6). Identifiers: Orphanet 51, MedGen C3539013, MONDO:0014007, OMIM 615010.
Inborn genetic diseases. Identifiers: MedGen C0950123, MeSH D030342.

gnomAD v4.1: 3 of 1,614,178 alleles (0.00019%); highest among the groups gnomAD compares: Middle Eastern, 0.016%; no homozygotes.

Submissions (2):

Ambry Genetics
Classification: Uncertain significance for Inborn genetic diseases. Last evaluated: 2025-08-19. Review status: criteria provided, single submitter. Criteria: Ambry Variant Classification Scheme 2023. Collection method: clinical testing. Allele origin: germline.

Labcorp Genetics (formerly Invitae), Labcorp
Classification: Uncertain significance for Aicardi-Goutieres syndrome 6; Symmetrical dyschromatosis of extremities. Last evaluated: 2019-08-22. Review status: criteria provided, single submitter. Criteria: Invitae Variant Classification Sherloc (09022015). Collection method: clinical testing. Allele origin: germline.
Comment: This sequence change replaces serine with phenylalanine at codon 690 of the ADAR protein (p.Ser690Phe). The serine residue is weakly conserved and there is a large physicochemical difference between serine and phenylalanine. This variant is not present in population databases (ExAC no frequency). This variant has not been reported in the literature in individuals with ADAR-related conditions. Algorithms developed to predict the effect of missense changes on protein structure and function are either unavailable or do not agree on the potential impact of this missense change (SIFT: "Deleterious"; PolyPhen-2: "Benign"; Align-GVGD: "Class C0"). In summary, the available evidence is currently insufficient to determine the role of this variant in disease. Therefore, it has been classified as a Variant of Uncertain Significance.

NM_001111.5(ADAR):c.2069C>T (p.Ser690Phe)

Gene: ADAR (adenosine deaminase RNA specific; minus strand). Cytogenetic location: 1q21.3.
Variant type: single nucleotide variant.
Coding change: c.2069C>T on transcript NM_001111.5 (MANE Select); coding-DNA position 2069, C replaced by T.
Protein change: p.Ser690Phe; replaces serine 690 with phenylalanine.
Molecular consequence: missense variant.
Genome position (GRCh38, 1-based): chr1:154,597,133, G>A on the plus strand (C>T on the coding strand, the complement: ADAR is on the minus strand). VCF-style: chr1-154597133-G-A. GRCh37 (hg19) VCF-style: chr1-154569609-G-A.
Other names: c.1184C>T, p.Ser395Phe (NM_001025107.3, NM_001193495.2, NM_001365046.1 and 3 more transcripts); c.2096C>T, p.Ser699Phe (NM_001365045.1); c.2069C>T, p.Ser690Phe (NM_015840.4, NM_015841.4); short protein forms S690F, S699F, S395F.
Identifiers: ClinVar variation 958743 (VCV000958743.10), dbSNP rs1697555171, ClinGen allele CA342638094.